The following is an entry in ClinVar:

ClinVar aggregate classification (germline): Likely benign. Review status: criteria provided, single submitter (1 of 4 stars). 2 submissions from 1 submitter: Likely benign (2). Last evaluated 2017-04-27.

Conditions:
Pseudohypoaldosteronism, type IB1, autosomal recessive. Also called: Pseudohypoaldosteronism, Type I, Autosomal Recessive; PHA I, AUTOSOMAL RECESSIVE; Pseudohypoaldosteronism, Type I, Recessive; Autosomal recessive pseudohypoaldosteronism type 1. Identifiers: Orphanet 171876, Orphanet 756, MedGen C5774176, MONDO:0009917, OMIM 264350.
Bronchiectasis with or without elevated sweat chloride 2 (BESC2). Identifiers: Orphanet 60033, MedGen C2751666, MONDO:0013087, OMIM 613021.

Allele frequency attached by ClinVar (database versions not stated): gnomAD exomes 0.00010 and 0.00022; ExAC 0.00014; gnomAD 0.00014 and 0.00015; 1000 Genomes Project 30x 0.00016; TOPMed 0.00016; 1000 Genomes Project 0.00020.
gnomAD v4.1: 336 of 1,599,986 alleles (0.021%); highest among the groups gnomAD compares: Middle Eastern, 0.043%; no homozygotes.

Submissions (2):

Illumina Laboratory Services, Illumina
Classification: Likely benign for Bronchiectasis with or without elevated sweat chloride 2. Last evaluated: 2017-04-27. Review status: criteria provided, single submitter. Criteria: ICSL Variant Classification Criteria 13 December 2019. Collection method: clinical testing. Allele origin: germline.
Comment: This variant was observed as part of a predisposition screen in an ostensibly healthy population. A literature search was performed for the gene, cDNA change, and amino acid change (where applicable). No publications were found based on this search. Allele frequency data from public databases allowed determination this variant is unlikely to cause disease. Therefore, this variant is classified as likely benign.

Illumina Laboratory Services, Illumina
Classification: Likely benign for Pseudohypoaldosteronism, type IB1, autosomal recessive. Last evaluated: 2017-04-27. Review status: criteria provided, single submitter. Criteria: ICSL Variant Classification Criteria 13 December 2019. Collection method: clinical testing. Allele origin: germline.
Comment: the same text as in the submission from Illumina Laboratory Services, Illumina above.

NM_001038.6(SCNN1A):c.*4G>A

Gene: SCNN1A (sodium channel epithelial 1 subunit alpha; minus strand). Cytogenetic location: 12p13.31.
Variant type: single nucleotide variant.
Coding change: c.*4G>A on transcript NM_001038.6 (MANE Select); 4 bases downstream of the stop codon, G replaced by A.
Molecular consequence: 3 prime UTR variant.
Genome position (GRCh38, 1-based): chr12:6,347,869, C>T on the plus strand (G>A on the coding strand, the complement: SCNN1A is on the minus strand). VCF-style: chr12-6347869-C-T. GRCh37 (hg19) VCF-style: chr12-6457035-C-T.
Other names: c.*4G>A (NM_001159575.2, NM_001159576.2).
Identifiers: ClinVar variation 310130 (VCV000310130.5), dbSNP rs557017986, ClinGen allele CA6405662.